The following is an entry in ClinVar:

ClinVar aggregate classification (germline): Pathogenic/Likely pathogenic. Review status: criteria provided, multiple submitters, no conflicts (2 of 4 stars). 2 submissions from 2 submitters: Pathogenic (1); Likely pathogenic (1). Last evaluated 2023-04-15.

Conditions:
Telangiectasia, hereditary hemorrhagic, type 1 (HHT1). Also called: Osler Weber Rendu syndrome type 1; ENG-Related Hereditary Hemorrhagic Telangiectasia. Identifiers: Orphanet 774, MedGen C4551861, MONDO:0008535, OMIM 187300. Disease mechanism: loss of function.
Hereditary hemorrhagic telangiectasia (HHT). Also called: ORW DISEASE; Osler Weber Rendu syndrome; OSLER-RENDU-WEBER DISEASE; Osler hemorrhagic telangiectasia syndrome. Identifiers: Orphanet 774, MedGen C0039445, MONDO:0019180. Disease mechanism: loss of function.

Submissions (2):

Labcorp Genetics (formerly Invitae), Labcorp
Classification: Pathogenic for Hereditary hemorrhagic telangiectasia. Last evaluated: 2023-04-15. Review status: criteria provided, single submitter. Criteria: Invitae Variant Classification Sherloc (09022015). Collection method: clinical testing. Allele origin: germline.
Comment: This variant is not present in population databases (gnomAD no frequency). This sequence change creates a premature translational stop signal (p.Leu319Argfs*43) in the ENG gene. It is expected to result in an absent or disrupted protein product. Loss-of-function variants in ENG are known to be pathogenic (PMID: 15879500). This variant has not been reported in the literature in individuals affected with ENG-related conditions. For these reasons, this variant has been classified as Pathogenic.

Juno Genomics, Hangzhou Juno Genomics, Inc
Classification: Likely pathogenic for Telangiectasia, hereditary hemorrhagic, type 1. Review status: criteria provided, single submitter. Criteria: ACMG Guidelines, 2015. Collection method: clinical testing. Allele origin: germline.
Comment: Absent from controls (or at extremely low frequency if recessive) in Genome Aggregation Database.;Null variant in a gene where loss of function (LOF) is a known mechanism of disease.

Literature cited by the submitters: PubMed 15879500 (cited by Labcorp Genetics (formerly Invitae), Labcorp).

NM_001114753.3(ENG):c.955_956insGAAGACAA (p.Leu319fs)

Gene: ENG (endoglin; minus strand). Cytogenetic location: 9q34.11.
Variant type: Insertion.
Coding change: c.955_956insGAAGACAA on transcript NM_001114753.3 (MANE Select); coding-DNA positions 955 to 956, GAAGACAA inserted.
Protein change: p.Leu319fs; shifts the reading frame from leucine 319.
Molecular consequence: frameshift variant.
Genome position: GRCh38 VCF-style: chr9-127824835-A-ATTGTCTTC. GRCh37 (hg19) VCF-style: chr9-130587114-A-ATTGTCTTC.
Other names: c.955_956insGAAGACAA, p.Leu319fs (NM_000118.4, NM_001406715.1); c.409_410insGAAGACAA, p.Leu137fs (NM_001278138.2); short protein forms L319fs, L137fs.
Identifiers: ClinVar variation 2856634 (VCV002856634.6), dbSNP rs2539072755, ClinGen allele CA2739265076.